The following is an entry in ClinVar:

NM_004343.4(CALR):c.566G>C (p.Ser189Thr)

Genes: CALR (calreticulin; plus strand), LOC126862861 (MED14-independent group 3 enhancer GRCh37_chr19:13050707-13051906; plus strand). Cytogenetic location: 19p13.13.
Variant type: single nucleotide variant.
Coding change: c.566G>C on transcript NM_004343.4 (MANE Select); coding-DNA position 566, G replaced by C.
Protein change: p.Ser189Thr; replaces serine 189 with threonine.
Molecular consequence: missense variant.
Genome position (GRCh38, 1-based): chr19:12,940,316, G>C. VCF-style: chr19-12940316-G-C. GRCh37 (hg19) VCF-style: chr19-13051130-G-C.
Other names: short protein forms S189T.
Identifiers: ClinVar variation 3046043 (VCV003046043.2), dbSNP rs147369833, ClinGen allele CA9235817.

ClinVar aggregate classification (germline): Likely benign (0 of 4 stars; one submission).

Conditions:
CALR-related disorder. Also called: CALR-related condition.

Allele frequency attached by ClinVar (database versions not stated): 1000 Genomes Project 30x 0.00016; 1000 Genomes Project 0.00020; ESP Exome Variant Server 0.00138.

Submission:

PreventionGenetics, part of Exact Sciences
Classification: Likely benign for CALR-related condition. Last evaluated: 2022-02-01. Review status: no assertion criteria provided. Collection method: clinical testing. Allele origin: germline.
Comment: This variant is classified as likely benign based on ACMG/AMP sequence variant interpretation guidelines (Richards et al. 2015 PMID: 25741868, with internal and published modifications).